The following is an entry in ClinVar:

ClinVar aggregate classification (germline): Benign. Review status: criteria provided, multiple submitters, no conflicts (2 of 4 stars). 5 submissions from 5 submitters: Benign (3). 2 of the submissions do not count toward it. Last evaluated 2019-05-28.

Conditions:
Anaphylotoxin inactivator deficiency (CPND). Also called: Deficiency of carboxypeptidase B; Carboxypeptidase N deficiency. Identifiers: MedGen C0398782, MONDO:0008910, OMIM 212070.
CPN1-related disorder. Also called: CPN1-related condition.

Allele frequency attached by ClinVar (database versions not stated): 1000 Genomes Project 0.02656; 1000 Genomes Project 30x 0.02795; gnomAD 0.03433 and 0.03463; TOPMed 0.03534; ExAC 0.04181; gnomAD exomes 0.04234 and 0.04404.

Submissions (5):

Mendelics
Classification: Benign for Anaphylotoxin inactivator deficiency. Last evaluated: 2019-05-28. Review status: criteria provided, single submitter. Criteria: Mendelics Assertion Criteria 2017. Collection method: clinical testing. Allele origin: unknown.

Laboratory for Molecular Medicine, Mass General Brigham Personalized Medicine
Classification: Benign. Last evaluated: 2016-03-28. Review status: criteria provided, single submitter. Criteria: LMM Criteria. Collection method: clinical testing. Allele origin: germline.
Comment: Variant identified in a genome or exome case(s) and assessed due to predicted null impact of the variant or pathogenic assertions in the literature or databases. Disclaimer: This variant has not undergone full assessment. The following are preliminary notes: Frequency in ESP (all):461/13006=3.54%

Breakthrough Genomics
Classification: Benign. Review status: criteria provided, single submitter. Criteria: ACMG Guidelines, 2015. Collection method: not provided. Allele origin: germline. Inheritance: Autosomal recessive inheritance. Affected: yes.

PreventionGenetics, part of Exact Sciences
Classification: Benign for CPN1-related condition. Last evaluated: 2024-07-08. Review status: no assertion criteria provided. Collection method: clinical testing. Allele origin: germline. Not counted in ClinVar's aggregate classification.
Comment: This variant is classified as benign based on ACMG/AMP sequence variant interpretation guidelines (Richards et al. 2015 PMID: 25741868, with internal and published modifications).

OMIM
Classification: Pathogenic for CARBOXYPEPTIDASE N DEFICIENCY. Last evaluated: 2003-01-01. Review status: no assertion criteria provided. Collection method: literature only. Allele origin: germline. Not counted in ClinVar's aggregate classification.

Literature cited by the submitters: PubMed 12560874 (cited by OMIM); PubMed 38445235 (cited by OMIM).

NM_001308.3(CPN1):c.533G>A (p.Gly178Asp)

Gene: CPN1 (carboxypeptidase N subunit 1; minus strand). Cytogenetic location: 10q24.2.
Variant type: single nucleotide variant.
Coding change: c.533G>A on transcript NM_001308.3 (MANE Select); coding-DNA position 533, G replaced by A.
Protein change: p.Gly178Asp; replaces glycine 178 with aspartic acid.
Molecular consequence: missense variant.
Genome position (GRCh38, 1-based): chr10:100,069,757, C>T on the plus strand (G>A on the coding strand, the complement: CPN1 is on the minus strand). VCF-style: chr10-100069757-C-T. GRCh37 (hg19) VCF-style: chr10-101829514-C-T.
Other names: short protein forms G178D.
Identifiers: ClinVar variation 6623 (VCV000006623.8), dbSNP rs61751507, ClinGen allele CA118376.